The following is an entry in ClinVar:

ClinVar aggregate classification (germline): Uncertain significance (1 of 4 stars; one submission).

Conditions:
Hereditary cancer-predisposing syndrome. Also called: Hereditary Cancer Syndrome; Hereditary neoplastic syndrome; Tumor predisposition; Neoplastic Syndromes, Hereditary. Identifiers: Orphanet 140162, MedGen C0027672, MeSH D009386, MONDO:0015356.

Submission:

Ambry Genetics
Classification: Uncertain significance for Hereditary cancer-predisposing syndrome. Last evaluated: 2024-12-08. Review status: criteria provided, single submitter. Criteria: Ambry Variant Classification Scheme 2023. Collection method: clinical testing. Allele origin: germline.
Comment: The p.T680K variant (also known as c.2039C>A), located in coding exon 11 of the ALK gene, results from a C to A substitution at nucleotide position 2039. The threonine at codon 680 is replaced by lysine, an amino acid with similar properties. This amino acid position is conserved. In addition, the in silico prediction for this alteration is inconclusive. Based on the available evidence, the clinical significance of this variant remains unclear.

NM_004304.5(ALK):c.2039C>A (p.Thr680Lys)

Gene: ALK (ALK receptor tyrosine kinase; minus strand). Cytogenetic location: 2p23.2.
Variant type: single nucleotide variant.
Coding change: c.2039C>A on transcript NM_004304.5 (MANE Select); coding-DNA position 2039, C replaced by A.
Protein change: p.Thr680Lys; replaces threonine 680 with lysine.
Molecular consequence: missense variant.
Genome position (GRCh38, 1-based): chr2:29,275,101, G>T on the plus strand (C>A on the coding strand, the complement: ALK is on the minus strand). VCF-style: chr2-29275101-G-T. GRCh37 (hg19) VCF-style: chr2-29497967-G-T.
Other names: short protein forms T680K.
Identifiers: ClinVar variation 3525411 (VCV003525411.1).